The following is an entry in ClinVar:

NM_001163922.3(VSIG10L):c.1903C>T (p.Arg635Trp)

Gene: VSIG10L (V-set and immunoglobulin domain containing 10 like; minus strand). Cytogenetic location: 19q13.41.
Variant type: single nucleotide variant.
Coding change: c.1903C>T on transcript NM_001163922.3 (MANE Select); coding-DNA position 1903, C replaced by T.
Protein change: p.Arg635Trp; replaces arginine 635 with tryptophan.
Molecular consequence: missense variant.
Genome position (GRCh38, 1-based): chr19:51,338,035, G>A on the plus strand (C>T on the coding strand, the complement: VSIG10L is on the minus strand). VCF-style: chr19-51338035-G-A. GRCh37 (hg19) VCF-style: chr19-51841289-G-A.
Other names: short protein forms R635W.
Identifiers: ClinVar variation 2368468 (VCV002368468.27), dbSNP rs865996246, ClinGen allele CA309719580.

ClinVar aggregate classification (germline): Conflicting classifications of pathogenicity. Review status: criteria provided, conflicting classifications (1 of 4 stars). 2 submissions from 2 submitters: Uncertain significance (1); Likely benign (1). Last evaluated 2025-01-22.

Allele frequency attached by ClinVar (database versions not stated): gnomAD 0.00001.
gnomAD v4.1: 60 of 1,551,528 alleles (0.0039%); highest among the groups gnomAD compares: Middle Eastern, 0.22%; 1 homozygote.

Submissions (2):

Ambry Genetics
Classification: Uncertain significance. Last evaluated: 2025-01-22. Review status: criteria provided, single submitter. Criteria: Ambry Variant Classification Scheme 2023. Collection method: clinical testing. Allele origin: germline.

CeGaT Center for Human Genetics Tuebingen
Classification: Likely benign. Last evaluated: 2022-12-01. Review status: criteria provided, single submitter. Criteria: CeGaT Center For Human Genetics Tuebingen Variant Classification Criteria Version 2. Collection method: clinical testing. Allele origin: germline. Affected: yes. Observed: 1 variant allele.
Comment: VSIG10L: BP4